The following is an entry in ClinVar:

ClinVar aggregate classification (germline): Likely benign. Review status: criteria provided, multiple submitters, no conflicts (2 of 4 stars). 2 submissions from 2 submitters: Likely benign (2). Last evaluated 2026-07-22.

Conditions:
Retinitis pigmentosa 71 (RP71). Identifiers: Orphanet 791, MedGen C4225342, MONDO:0014618, OMIM 616394.
Short-rib thoracic dysplasia 10 with or without polydactyly (SRTD10). Identifiers: Orphanet 474, MedGen C3810175, MONDO:0014284, OMIM 615630.
IFT172-related disorder. Also called: IFT172-related condition; IFT172-related disorders.

Allele frequency attached by ClinVar (database versions not stated): gnomAD exomes below 0.00001; gnomAD 0.00003.

Submissions (2):

PreventionGenetics, part of Exact Sciences
Classification: Likely benign for IFT172-related condition. Last evaluated: 2026-07-22. Review status: criteria provided, single submitter. Criteria: ACMG Guidelines, 2015. Collection method: clinical testing. Allele origin: germline.
Comment: This variant is classified as likely benign based on ACMG/AMP sequence variant interpretation guidelines (Richards et al. 2015 PMID: 25741868, with internal and published modifications).

Labcorp Genetics (formerly Invitae), Labcorp
Classification: Likely benign for Retinitis pigmentosa 71; Short-rib thoracic dysplasia 10 with or without polydactyly. Last evaluated: 2025-03-20. Review status: criteria provided, single submitter. Criteria: Invitae Variant Classification Sherloc (09022015). Collection method: clinical testing. Allele origin: germline.

NM_015662.3(IFT172):c.1222-5C>T

Gene: IFT172 (intraflagellar transport 172; minus strand). Cytogenetic location: 2p23.3.
Variant type: single nucleotide variant.
Coding change: c.1222-5C>T on transcript NM_015662.3 (MANE Select); 5 bases into the intron before coding-DNA position 1222, C replaced by T.
Molecular consequence: intron variant.
Genome position (GRCh38, 1-based): chr2:27,477,325, G>A on the plus strand (C>T on the coding strand, the complement: IFT172 is on the minus strand). VCF-style: chr2-27477325-G-A. GRCh37 (hg19) VCF-style: chr2-27700192-G-A.
Other names: c.1222-5C>T (NM_015662.2).
Identifiers: ClinVar variation 1155691 (VCV001155691.10), dbSNP rs920680020, ClinGen allele CA44513514.